The following is an entry in ClinVar:

NM_000322.5(PRPH2):c.608G>A (p.Arg203Gln)

Gene: PRPH2 (peripherin 2; minus strand). Cytogenetic location: 6p21.1.
Variant type: single nucleotide variant.
Coding change: c.608G>A on transcript NM_000322.5 (MANE Select); coding-DNA position 608, G replaced by A.
Protein change: p.Arg203Gln; replaces arginine 203 with glutamine.
Molecular consequence: missense variant.
Genome position (GRCh38, 1-based): chr6:42,704,585, C>T on the plus strand (G>A on the coding strand, the complement: PRPH2 is on the minus strand). VCF-style: chr6-42704585-C-T. GRCh37 (hg19) VCF-style: chr6-42672323-C-T.
Other names: short protein forms R203Q.
Identifiers: ClinVar variation 2163173 (VCV002163173.4), dbSNP rs1478451533, ClinGen allele CA364135744.
Genomic context (GRCh38, chr6:42,704,585, plus strand): 5'-ATGCAGGGCCGTGGCGAGCTAGGATTGCAGCAGCTGAAAGGGACGCCGTCCACCAGGTAC[C>T]GCCCATCCACGTTGCTCTTGATTCGACTTAAAGGGAAACAGACAGCTGGAGATGGGCTTC-3'
Protein context (NP_000313.2, residues 193-213): KDRIKSNVDG[Arg203Gln]YLVDGVPFSC

ClinVar aggregate classification (germline): Uncertain significance (1 of 4 stars; one submission).

Conditions:
PRPH2-related disorder. Also called: PRPH2-related condition; PRPH2-related disorders. Identifiers: MedGen CN239395.

Allele frequency attached by ClinVar (database versions not stated): TOPMed below 0.00001; gnomAD 0.00001; gnomAD exomes 0.00001.
gnomAD v4.1: 9 of 1,614,040 alleles (0.00056%); highest among the groups gnomAD compares: Admixed American, 0.0017%; no homozygotes.

Submission:

Labcorp Genetics (formerly Invitae), Labcorp
Classification: Uncertain significance for PRPH2-related disorder. Last evaluated: 2025-10-21. Review status: criteria provided, single submitter. Criteria: Invitae Variant Classification Sherloc (09022015). Collection method: clinical testing. Allele origin: germline.
Comment: This sequence change replaces arginine, which is basic and polar, with glutamine, which is neutral and polar, at codon 203 of the PRPH2 protein (p.Arg203Gln). This variant is present in population databases (no rsID available, gnomAD 0.003%). This variant has not been reported in the literature in individuals affected with PRPH2-related conditions. ClinVar contains an entry for this variant (Variation ID: 2163173). Invitae Evidence Modeling of protein sequence and biophysical properties (such as structural, functional, and spatial information, amino acid conservation, physicochemical variation, residue mobility, and thermodynamic stability) has been performed for this missense variant. However, the output from this modeling did not meet the statistical confidence thresholds required to predict the impact of this variant on PRPH2 protein function. In summary, the available evidence is currently insufficient to determine the role of this variant in disease. Therefore, it has been classified as a Variant of Uncertain Significance.